The following is an entry in ClinVar:

ClinVar aggregate classification (germline): Uncertain significance (1 of 4 stars; one submission).

Conditions:
Lymphatic malformation 6 (LMPHM6). Also called: GENERALIZED LYMPHATIC DYSPLASIA OF FOTIOU; Lymphedema, hereditary, III; PIEZO1-related generalized lymphatic dysplasia with non-immune hydrops fetalis. Identifiers: Orphanet 568062, MedGen C4225184, MONDO:0014797, OMIM 616843.

Submission:

Clinical Genomics Laboratory, Washington University in St. Louis
Classification: Uncertain significance for Lymphatic malformation 6. Last evaluated: 2023-09-23. Review status: criteria provided, single submitter. Criteria: ACMG Guidelines, 2015. Collection method: clinical testing. Allele origin: germline.
Comment: The PIEZO1 c.5072_5074del (p.Cys1691del) variant was identified at near heterozygous allelic fraction and to our knowledge, it has not been reported in the medical literature. This variant is absent from the general population (gnomAD v.3.1.2), indicating it is not a common variant. Computational predictors indicate that this variant does not impact PIEZO1 function. PIEZO1 c.5072_5074del (p.Cys1691del) is predicted to cause a change in the length of the protein due to an in-frame deletion of one amino acid in a non-repeat region. Due to limited information, and based on ACMG/AMP guidelines for variant interpretation (Richards S et al., PMID: 25741868), this variant is classified as being of uncertain significance at this time.

NM_001142864.4(PIEZO1):c.5072_5074del (p.Cys1691del)

Gene: PIEZO1 (piezo type mechanosensitive ion channel component 1 (Er blood group); minus strand). Cytogenetic location: 16q24.3.
Variant type: Deletion.
Coding change: c.5072_5074del on transcript NM_001142864.4 (MANE Select); coding-DNA positions 5072 to 5074, 3 bases deleted (GCT; older notation c.5072_5074delGCT).
Protein change: p.Cys1691del; deletes cysteine 1691.
Molecular consequence: inframe deletion. On other transcripts: inframe indel (1).
Genome position (GRCh38, 1-based): chr16:88,721,948-88,721,950, AGC deleted on the plus strand (GCT on the coding strand, the reverse complement: PIEZO1 is on the minus strand); deleting any 3 consecutive bases within chr16:88,721,948-88,721,952 gives the same sequence; the c. name uses the placement nearest the transcript's 3' end. VCF-style (leftmost placement, unchanged base first): chr16-88721947-TAGC-T. GRCh37 (hg19) VCF-style: chr16-88788355-TAGC-T.
Other names: c.3612_3614delCTG, p.Cys1205del (NM_014745.1); short protein forms C1205del, C1691del.
Identifiers: ClinVar variation 2672148 (VCV002672148.1), dbSNP rs2507852903, ClinGen allele CA2502579266.